The following is an entry in ClinVar:

ClinVar aggregate classification (germline): Uncertain significance (1 of 4 stars; one submission).

Allele frequency attached by ClinVar (database versions not stated): gnomAD exomes below 0.00001.
gnomAD v4.1: 1 of 1,566,934 alleles (0.000064%); highest among the groups gnomAD compares: Admixed American, 0.0019%; no homozygotes.

Submission:

Labcorp Genetics (formerly Invitae), Labcorp
Classification: Uncertain significance. Last evaluated: 2022-02-08. Review status: criteria provided, single submitter. Criteria: Invitae Variant Classification Sherloc (09022015). Collection method: clinical testing. Allele origin: germline.
Comment: In summary, the available evidence is currently insufficient to determine the role of this variant in disease. Therefore, it has been classified as a Variant of Uncertain Significance. Advanced modeling of protein sequence and biophysical properties (such as structural, functional, and spatial information, amino acid conservation, physicochemical variation, residue mobility, and thermodynamic stability) performed at Invitae indicates that this missense variant is expected to disrupt COL9A2 protein function. This variant has not been reported in the literature in individuals affected with COL9A2-related conditions. This variant is not present in population databases (gnomAD no frequency). This sequence change replaces glycine, which is neutral and non-polar, with aspartic acid, which is acidic and polar, at codon 424 of the COL9A2 protein (p.Gly424Asp).

NM_001852.4(COL9A2):c.1271G>A (p.Gly424Asp)

Gene: COL9A2 (collagen type IX alpha 2 chain; minus strand). Cytogenetic location: 1p34.2.
Variant type: single nucleotide variant.
Coding change: c.1271G>A on transcript NM_001852.4 (MANE Select); coding-DNA position 1271, G replaced by A.
Protein change: p.Gly424Asp; replaces glycine 424 with aspartic acid.
Molecular consequence: missense variant.
Genome position (GRCh38, 1-based): chr1:40,304,336, C>T on the plus strand (G>A on the coding strand, the complement: COL9A2 is on the minus strand). VCF-style: chr1-40304336-C-T. GRCh37 (hg19) VCF-style: chr1-40770008-C-T.
Other names: short protein forms G424D.
Identifiers: ClinVar variation 1506157 (VCV001506157.6), dbSNP rs1273472050, ClinGen allele CA339881025.
Genomic context (GRCh38, chr1:40,304,336, plus strand): 5'-TTATAGGGCCCCTTTCCCAGGTGTTTCCCAGCCCCATCTGGCACCTTGTCTCCTTTGACG[C>T]CTGGCAAGCCTTGGGGCCCTGGAATTCCGGGGGGGCCCTGCTCCCCCTTAGGGCCCTGAG-3'
Protein context (NP_001843.1, residues 414-434): PGIPGPQGLP[Gly424Asp]VKGDKGSPGK